The following is an entry in ClinVar:

NM_130837.3(OPA1):c.502G>C (p.Asp168His)

Gene: OPA1 (OPA1 mitochondrial dynamin like GTPase; plus strand). Cytogenetic location: 3q29.
Variant type: single nucleotide variant.
Coding change: c.502G>C on transcript NM_130837.3 (MANE Select); coding-DNA position 502, G replaced by C.
Protein change: p.Asp168His; replaces aspartic acid 168 with histidine.
Molecular consequence: missense variant. On other transcripts: intron variant (5).
Genome position (GRCh38, 1-based): chr3:193,617,231, G>C. VCF-style: chr3-193617231-G-C. GRCh37 (hg19) VCF-style: chr3-193335020-G-C.
Other names: c.130G>C, p.Asp44His (NM_001354664.2); c.502G>C, p.Asp168His (NM_015560.3, NM_130834.3, NM_130836.3); c.76+1461G>C (NM_001354663.2); c.449-553G>C (NM_130835.3, NM_130832.3); c.448+1461G>C (NM_130833.3, NM_130831.3); short protein forms D168H, D44H.
Identifiers: ClinVar variation 2990839 (VCV002990839.3), dbSNP rs2474599122, ClinGen allele CA355787655.

ClinVar aggregate classification (germline): Uncertain significance (1 of 4 stars; one submission).

Allele frequency attached by ClinVar (database versions not stated): gnomAD exomes below 0.00001.
gnomAD v4.1: 1 of 1,613,324 alleles (0.000062%); highest among the groups gnomAD compares: Non-Finnish European, 0.000085%; no homozygotes.

Submission:

Labcorp Genetics (formerly Invitae), Labcorp
Classification: Uncertain significance. Last evaluated: 2023-03-06. Review status: criteria provided, single submitter. Criteria: Invitae Variant Classification Sherloc (09022015). Collection method: clinical testing. Allele origin: germline.
Comment: This sequence change replaces aspartic acid, which is acidic and polar, with histidine, which is basic and polar, at codon 168 of the OPA1 protein (p.Asp168His). This variant is not present in population databases (gnomAD no frequency). This variant has not been reported in the literature in individuals affected with OPA1-related conditions. Advanced modeling of protein sequence and biophysical properties (such as structural, functional, and spatial information, amino acid conservation, physicochemical variation, residue mobility, and thermodynamic stability) performed at Invitae indicates that this missense variant is not expected to disrupt OPA1 protein function. In summary, the available evidence is currently insufficient to determine the role of this variant in disease. Therefore, it has been classified as a Variant of Uncertain Significance.